The following is an entry in ClinVar:

ClinVar aggregate classification (germline): Likely pathogenic (1 of 4 stars; one submission).

Conditions:
Classic homocystinuria. Also called: HOMOCYSTINURIA WITH OR WITHOUT RESPONSE TO PYRIDOXINE; Homocystinuria due to CBS deficiency; Cystathionine beta-synthase deficiency; CBS deficiency; Homocystinuria due to Cystathionine Beta-Synthase Deficiency. Identifiers: Orphanet 394, MedGen C0751202, MONDO:0009352, OMIM 236200.

Submission:

Natera, Inc.
Classification: Likely pathogenic for Homocystinuria due to cystathionine beta-synthase deficiency. Last evaluated: 2024-04-25. Review status: criteria provided, single submitter. Criteria: Natera Variant Classification Schema (03/2026). Collection method: clinical testing. Allele origin: germline.
Comment: The c.847G>T variant in CBS is a nonsense variant predicted to introduce a stop codon at amino acid 283. This variant is expected to result in nonsense mediated decay, truncation, or a dysfunctional protein product. This variant is rare in the general population with a frequency below the threshold expected for the associated phenotype(s). Given the available evidence, this variant is classified as Likely Pathogenic.

NM_000071.3(CBS):c.847G>T (p.Glu283Ter)

Gene: CBS (cystathionine beta-synthase; minus strand). Cytogenetic location: 21q22.3.
Variant type: single nucleotide variant.
Coding change: c.847G>T on transcript NM_000071.3 (MANE Select); coding-DNA position 847, G replaced by T.
Protein change: p.Glu283Ter; replaces glutamic acid 283 with a stop codon.
Molecular consequence: nonsense.
Genome position (GRCh38, 1-based): chr21:43,063,060, C>A on the plus strand (G>T on the coding strand, the complement: CBS is on the minus strand). VCF-style: chr21-43063060-C-A. GRCh37 (hg19) VCF-style: chr21-44483170-C-A.
Other names: c.847G>T, p.Glu283Ter (NM_001178008.3, NM_001178009.3, NM_001320298.2); c.532G>T, p.Glu178Ter (NM_001321072.1); short protein forms E178*, E283*.
Identifiers: ClinVar variation 4816738 (VCV004816738.1).
Genomic context (GRCh38, chr21:43,063,060, plus strand): 5'-CCTCGTAGGTTGTCTGCTCCGTCTGGTTCAGCTCCTCCGGCTCTGCGAGGATGGACCCTT[C>A]GGGATCCACCCCAATGATCTGCAGAGGGCGCGGCTTCAGGGCTCAAGGCCAGCAAAAGCC-3'